The following is an entry in ClinVar:

NM_000179.3(MSH6):c.3438+10del

Gene: MSH6 (mutS homolog 6; plus strand). Cytogenetic location: 2p16.3.
Variant type: Deletion.
Coding change: c.3438+10del on transcript NM_000179.3 (MANE Select); 10 bases into the intron after coding-DNA position 3438, one base deleted (T; older notation c.3438+10delT).
Molecular consequence: intron variant.
Genome position (GRCh38, 1-based): chr2:47,803,695, T deleted; the last of 2 consecutive T bases (chr2:47,803,694-47,803,695); deleting either gives the same sequence. VCF-style (leftmost placement, unchanged base first): chr2-47803693-AT-A. GRCh37 (hg19) VCF-style: chr2-48030832-AT-A.
Other names: c.2532+10del (NM_001281493.2, NM_001281494.2); c.3048+10del (NM_001281492.2); c.3438+10del (NM_000179.2).
Identifiers: ClinVar variation 2009625 (VCV002009625.6), dbSNP rs2530777857, ClinGen allele CA2580067115.
Genomic context (GRCh38, chr2:47,803,693, plus strand): 5'-GTGTGCTTGTTACTGGACCAAATATGGGGGGCAAGTCTACGCTTATGAGACAGGTAACTG[AT>A]TCTTAAAGTTTTGTTATCAGAAAGTCATTTGTGACATTAGGAATAACATACTTAGGTGAT-3'

ClinVar aggregate classification (germline): Conflicting classifications of pathogenicity. Review status: criteria provided, conflicting classifications (1 of 4 stars). 3 submissions from 3 submitters: Uncertain significance (1); Likely benign (2). Last evaluated 2025-01-06.

Conditions:
Lynch syndrome 5 (LYNCH5). Also called: Colorectal cancer, hereditary nonpolyposis, type 5; Hereditary non-polyposis colorectal cancer, type 5. Identifiers: Orphanet 144, MedGen C1833477, MONDO:0013710, OMIM 614350. Disease mechanism: loss of function.
Hereditary nonpolyposis colorectal neoplasms. Identifiers: MedGen C0009405, MeSH D003123.

Submissions (3):

Myriad Genetics, Inc.
Classification: Likely benign for Lynch syndrome 5. Last evaluated: 2025-01-06. Review status: criteria provided, single submitter. Criteria: Myriad Autosomal Dominant, Autosomal Recessive and X-Linked Classification Criteria (2023). Collection method: clinical testing. Allele origin: unknown.
Comment: This variant is considered likely benign. This variant is intronic and is not expected to impact mRNA splicing.

Quest Diagnostics Nichols Institute San Juan Capistrano
Classification: Uncertain significance. Last evaluated: 2024-11-11. Review status: criteria provided, single submitter. Criteria: Quest Diagnostics criteria. Collection method: clinical testing. Allele origin: unknown.
Comment: The MSH6 c.3438+10del variant has not been reported in individuals with MSH6-related conditions in the published literature. It also has not been reported in large, multi-ethnic general populations (Genome Aggregation Database). Analysis of this variant using software algorithms for the prediction of the effect of nucleotide changes on splicing yielded predictions that this variant does not affect MSH6 mRNA splicing. Based on the available information, we are unable to determine the clinical significance of this variant.

Labcorp Genetics (formerly Invitae), Labcorp
Classification: Likely benign for Hereditary nonpolyposis colorectal neoplasms. Last evaluated: 2024-10-03. Review status: criteria provided, single submitter. Criteria: Invitae Variant Classification Sherloc (09022015). Collection method: clinical testing. Allele origin: germline.